The following is an entry in ClinVar:

ClinVar aggregate classification (germline): Uncertain significance (1 of 4 stars; one submission).

Conditions:
STUB1-related disorder. Also called: STUB1-related condition.

gnomAD v4.1: 3 of 1,608,380 alleles (0.00019%); highest among the groups gnomAD compares: Non-Finnish European, 0.00026%; no homozygotes.

Submission:

PreventionGenetics, part of Exact Sciences
Classification: Uncertain significance for STUB1-related condition. Last evaluated: 2024-12-03. Review status: criteria provided, single submitter. Criteria: ACMG Guidelines, 2015. Collection method: clinical testing. Allele origin: germline.
Comment: The STUB1 c.683C>T variant is predicted to result in the amino acid substitution p.Pro228Leu. To our knowledge, this variant has not been reported in the literature or in a large population database (gnomAD), indicating this variant is rare. At this time, the clinical significance of this variant is uncertain due to the absence of conclusive functional and genetic evidence.

NM_005861.4(STUB1):c.683C>T (p.Pro228Leu)

Genes: JMJD8 (jumonji domain containing 8; minus strand), STUB1 (STIP1 homology and U-box containing protein 1; plus strand). Cytogenetic location: 16p13.3.
Variant type: single nucleotide variant.
Coding change: c.683C>T on transcript NM_005861.4 (MANE Select); coding-DNA position 683, C replaced by T.
Protein change: p.Pro228Leu; replaces proline 228 with leucine.
Molecular consequence: missense variant. On other transcripts: 3 prime UTR variant (5), non-coding transcript variant (3).
Genome position (GRCh38, 1-based): chr16:682,178, C>T. VCF-style: chr16-682178-C-T. GRCh37 (hg19) VCF-style: chr16-732178-C-T.
Other names: c.467C>T, p.Pro156Leu (NM_001293197.2); c.*616G>A (NM_001005920.4, NM_001323919.3, NM_001323920.3); c.*650G>A (NM_001323918.3, NM_001323922.3); short protein forms P228L, P156L.
Identifiers: ClinVar variation 4997636 (VCV004997636.1).